The following is an entry in ClinVar:

NM_025074.7(FRAS1):c.7292A>G (p.Asp2431Gly)

Gene: FRAS1 (Fraser extracellular matrix complex subunit 1; plus strand). Cytogenetic location: 4q21.21.
Variant type: single nucleotide variant.
Coding change: c.7292A>G on transcript NM_025074.7 (MANE Select); coding-DNA position 7292, A replaced by G.
Protein change: p.Asp2431Gly; replaces aspartic acid 2431 with glycine.
Molecular consequence: missense variant.
Genome position (GRCh38, 1-based): chr4:78,470,012, A>G. VCF-style: chr4-78470012-A-G. GRCh37 (hg19) VCF-style: chr4-79391166-A-G.
Other names: p.Asp2431Gly; short protein forms D2431G.
Identifiers: ClinVar variation 3379541 (VCV003379541.1).

ClinVar aggregate classification (germline): Uncertain significance (1 of 4 stars; one submission).

Submission:

Mayo Clinic Laboratories, Mayo Clinic
Classification: Uncertain significance. Last evaluated: 2024-04-15. Review status: criteria provided, single submitter. Criteria: ACMG Guidelines, 2015. Collection method: clinical testing. Allele origin: germline. Observed: 1 variant allele.
Comment: PM2